The following is an entry in ClinVar:

NC_000005.10:g.(?_112779849)_(112844136_?)dup

Gene: APC (APC regulator of Wnt signaling pathway; plus strand). Cytogenetic location: 5q22.2.
Variant type: Duplication.
Identifiers: ClinVar variation 832746 (VCV000832746.5).

ClinVar aggregate classification (germline): Uncertain significance. Review status: criteria provided, single submitter (1 of 4 stars). 2 submissions from 1 submitter: Uncertain significance (1). 1 of the submissions does not count toward it. Last evaluated 2019-04-01.

Conditions:
Familial adenomatous polyposis 1 (FAP1). Also called: POLYPOSIS, ADENOMATOUS INTESTINAL; FAMILIAL ADENOMATOUS POLYPOSIS 1, ATTENUATED. Identifiers: MedGen C2713442, MONDO:0021056, OMIM 175100. Disease mechanism: loss of function.

Submissions (2):

Labcorp Genetics (formerly Invitae), Labcorp
Classification: Uncertain significance for Familial adenomatous polyposis 1. Last evaluated: 2019-04-01. Review status: criteria provided, single submitter. Criteria: Invitae Variant Classification Sherloc (09022015). Collection method: clinical testing. Allele origin: germline.
Comment: This variant is a gross duplication of the genomic region encompassing exons 6-16 of the APC gene. The 5' boundary is likely confined to intron 5. The 3' end of this event is unknown as it extends beyond the assayed region for this gene and therefore may encompass additional genes. The exact location of this variant in the genome is unknown. This variant has not been reported in the literature in individuals with APC-related disease. In summary, the available evidence is currently insufficient to determine the role of this variant in disease. Therefore, it has been classified as a Variant of Uncertain Significance.

Labcorp Genetics (formerly Invitae), Labcorp
Classification: Uncertain significance for Familial adenomatous polyposis 1. Last evaluated: 2019-04-02. Review status: flagged submission. Criteria: Invitae Variant Classification Sherloc (09022015). Collection method: clinical testing. Allele origin: germline. Not counted in ClinVar's aggregate classification.
Comment: the same text as in the submission from Labcorp Genetics (formerly Invitae), Labcorp above.
ClinVar note: Reason: This record appears to be redundant with a more recent record from the same submitter.
ClinVar note: Notes: SCV001196525 appears to be redundant with SCV002284884.